The following is an entry in ClinVar:

NM_014915.3(ANKRD26):c.2687T>C (p.Met896Thr)

Gene: ANKRD26 (ankyrin repeat domain containing 26; minus strand). Cytogenetic location: 10p12.1.
Variant type: single nucleotide variant.
Coding change: c.2687T>C on transcript NM_014915.3 (MANE Select); coding-DNA position 2687, T replaced by C.
Protein change: p.Met896Thr; replaces methionine 896 with threonine.
Molecular consequence: missense variant.
Genome position (GRCh38, 1-based): chr10:27,037,196, A>G on the plus strand (T>C on the coding strand, the complement: ANKRD26 is on the minus strand). VCF-style: chr10-27037196-A-G. GRCh37 (hg19) VCF-style: chr10-27326125-A-G.
Other names: c.2684T>C, p.Met895Thr (NM_001256053.2); short protein forms M895T, M896T.
Identifiers: ClinVar variation 3870944 (VCV003870944.1).

ClinVar aggregate classification (germline): Uncertain significance (1 of 4 stars; one submission).

Conditions:
Inborn genetic diseases. Identifiers: MedGen C0950123, MeSH D030342.

Submission:

Ambry Genetics
Classification: Uncertain significance for Inborn genetic diseases. Last evaluated: 2025-02-03. Review status: criteria provided, single submitter. Criteria: Ambry Variant Classification Scheme 2023. Collection method: clinical testing. Allele origin: germline.
Comment: The p.M896T variant (also known as c.2687T>C), located in coding exon 23 of the ANKRD26 gene, results from a T to C substitution at nucleotide position 2687. The methionine at codon 896 is replaced by threonine, an amino acid with similar properties. This amino acid position is conserved. In addition, this alteration is predicted to be tolerated by in silico analysis. Based on the available evidence, the clinical significance of this variant remains unclear.